The following is an entry in ClinVar:

ClinVar aggregate classification (germline): Uncertain significance. Review status: criteria provided, multiple submitters, no conflicts (2 of 4 stars). 2 submissions from 2 submitters: Uncertain significance (2). Last evaluated 2024-04-01.

Allele frequency attached by ClinVar (database versions not stated): 1000 Genomes Project 30x 0.00016; 1000 Genomes Project 0.00020; TOPMed 0.00032; gnomAD 0.00035 and 0.00037; gnomAD exomes 0.00041 and 0.00085; ExAC 0.00045; ESP Exome Variant Server 0.00054.
gnomAD v4.1: 1,268 of 1,614,234 alleles (0.079%); highest among the groups gnomAD compares: Non-Finnish European, 0.1%; 2 homozygotes.

Submissions (2):

CeGaT Center for Human Genetics Tuebingen
Classification: Uncertain significance. Last evaluated: 2024-04-01. Review status: criteria provided, single submitter. Criteria: CeGaT Center For Human Genetics Tuebingen Variant Classification Criteria Version 2. Collection method: clinical testing. Allele origin: germline. Affected: yes. Observed: 1 variant allele.
Comment: MRPS23: PM2, BP4

Labcorp Genetics (formerly Invitae), Labcorp
Classification: Uncertain significance. Last evaluated: 2023-12-10. Review status: criteria provided, single submitter. Criteria: Invitae Variant Classification Sherloc (09022015). Collection method: clinical testing. Allele origin: germline.
Comment: This sequence change replaces arginine, which is basic and polar, with lysine, which is basic and polar, at codon 42 of the MRPS23 protein (p.Arg42Lys). This variant is present in population databases (rs148471639, gnomAD 0.08%), and has an allele count higher than expected for a pathogenic variant. This variant has not been reported in the literature in individuals affected with MRPS23-related conditions. ClinVar contains an entry for this variant (Variation ID: 1356580). Algorithms developed to predict the effect of missense changes on protein structure and function output the following: SIFT: "Not Available"; PolyPhen-2: "Benign"; Align-GVGD: "Not Available". The lysine amino acid residue is found in multiple mammalian species, which suggests that this missense change does not adversely affect protein function. In summary, the available evidence is currently insufficient to determine the role of this variant in disease. Therefore, it has been classified as a Variant of Uncertain Significance.

NM_016070.4(MRPS23):c.125G>A (p.Arg42Lys)

Gene: MRPS23 (mitochondrial ribosomal protein S23; minus strand). Cytogenetic location: 17q22.
Variant type: single nucleotide variant.
Coding change: c.125G>A on transcript NM_016070.4 (MANE Select); coding-DNA position 125, G replaced by A.
Protein change: p.Arg42Lys; replaces arginine 42 with lysine.
Molecular consequence: missense variant.
Genome position (GRCh38, 1-based): chr17:57,849,330, C>T on the plus strand (G>A on the coding strand, the complement: MRPS23 is on the minus strand). VCF-style: chr17-57849330-C-T. GRCh37 (hg19) VCF-style: chr17-55926691-C-T.
Other names: short protein forms R42K.
Identifiers: ClinVar variation 1356580 (VCV001356580.24), dbSNP rs148471639, ClinGen allele CA8666790.
Genomic context (GRCh38, chr17:57,849,330, plus strand): 5'-TCTTGGATGGGAGCTTTGGCTTTGCCATATCGCACTCGAGGCCTTTGGAAGACGGGCTCC[C>T]TCAGCGGGGGAAAGGCGTCATATACGTCAAACCACAGGGGCTTCTCCTTCAGCACCCCGG-3'
Protein context (NP_057154.2, residues 32-52): FDVYDAFPPL[Arg42Lys]EPVFQRPRVR